The following is an entry in ClinVar:

ClinVar aggregate classification (germline): Uncertain significance. Review status: criteria provided, multiple submitters, no conflicts (2 of 4 stars). 2 submissions from 2 submitters: Uncertain significance (2). Last evaluated 2024-10-05.

Conditions:
Inborn genetic diseases. Identifiers: MedGen C0950123, MeSH D030342.

Allele frequency attached by ClinVar (database versions not stated): ExAC 0.00002; gnomAD exomes 0.00002; ESP Exome Variant Server 0.00008.

Submissions (2):

Labcorp Genetics (formerly Invitae), Labcorp
Classification: Uncertain significance. Last evaluated: 2024-10-05. Review status: criteria provided, single submitter. Criteria: Invitae Variant Classification Sherloc (09022015). Collection method: clinical testing. Allele origin: germline.
Comment: This sequence change replaces threonine, which is neutral and polar, with methionine, which is neutral and non-polar, at codon 569 of the KLHL3 protein (p.Thr569Met). This variant is present in population databases (rs371683196, gnomAD 0.004%). This variant has not been reported in the literature in individuals affected with KLHL3-related conditions. ClinVar contains an entry for this variant (Variation ID: 2565261). Invitae Evidence Modeling of protein sequence and biophysical properties (such as structural, functional, and spatial information, amino acid conservation, physicochemical variation, residue mobility, and thermodynamic stability) indicates that this missense variant is not expected to disrupt KLHL3 protein function with a negative predictive value of 80%. In summary, the available evidence is currently insufficient to determine the role of this variant in disease. Therefore, it has been classified as a Variant of Uncertain Significance.

Ambry Genetics
Classification: Uncertain significance for Inborn genetic diseases. Last evaluated: 2023-04-11. Review status: criteria provided, single submitter. Criteria: Ambry Variant Classification Scheme 2023. Collection method: clinical testing. Allele origin: germline.

NM_017415.3(KLHL3):c.1706C>T (p.Thr569Met)

Gene: KLHL3 (kelch like family member 3; minus strand). Cytogenetic location: 5q31.2.
Variant type: single nucleotide variant.
Coding change: c.1706C>T on transcript NM_017415.3 (MANE Select); coding-DNA position 1706, C replaced by T.
Protein change: p.Thr569Met; replaces threonine 569 with methionine.
Molecular consequence: missense variant.
Genome position (GRCh38, 1-based): chr5:137,625,782, G>A on the plus strand (C>T on the coding strand, the complement: KLHL3 is on the minus strand). VCF-style: chr5-137625782-G-A. GRCh37 (hg19) VCF-style: chr5-136961471-G-A.
Other names: c.1610C>T, p.Thr537Met (NM_001257194.1); c.1460C>T, p.Thr487Met (NM_001257195.2); short protein forms T487M, T537M, T569M.
Identifiers: ClinVar variation 2565261 (VCV002565261.4), dbSNP rs371683196, ClinGen allele CA3422129.